The following is an entry in ClinVar:

ClinVar aggregate classification (germline): Likely benign. Review status: criteria provided, multiple submitters, no conflicts (2 of 4 stars). 3 submissions from 3 submitters: Likely benign (3). Last evaluated 2026-04-14.

Conditions:
CCDC88C-related disorder. Also called: CCDC88C-Related Disorders; CCDC88C-related condition.

gnomAD v4.1: 67 of 1,533,118 alleles (0.0044%); highest among the groups gnomAD compares: African/African-American, 0.026%; no homozygotes.

Submissions (3):

PreventionGenetics, part of Exact Sciences
Classification: Likely benign for CCDC88C-related condition. Last evaluated: 2026-04-14. Review status: criteria provided, single submitter. Criteria: ACMG Guidelines, 2015. Collection method: clinical testing. Allele origin: germline.
Comment: This variant is classified as likely benign based on ACMG/AMP sequence variant interpretation guidelines (Richards et al. 2015 PMID: 25741868, with internal and published modifications).

Labcorp Genetics (formerly Invitae), Labcorp
Classification: Likely benign. Last evaluated: 2026-01-25. Review status: criteria provided, single submitter. Criteria: Invitae Variant Classification Sherloc (09022015). Collection method: clinical testing. Allele origin: germline.

Blueprint Genetics
Classification: Likely benign. Last evaluated: 2023-11-21. Review status: criteria provided, single submitter. Criteria: ACMG Guidelines, 2015. Collection method: clinical testing. Allele origin: germline.

NM_001080414.4(CCDC88C):c.5358G>A (p.Pro1786=)

Gene: CCDC88C (coiled-coil and HOOK domain protein 88C; minus strand). Cytogenetic location: 14q32.11.
Variant type: single nucleotide variant.
Coding change: c.5358G>A on transcript NM_001080414.4 (MANE Select); coding-DNA position 5358, G replaced by A.
Protein change: p.Pro1786=; no amino-acid change (proline 1786 retained).
Molecular consequence: synonymous variant.
Genome position (GRCh38, 1-based): chr14:91,273,354, C>T on the plus strand (G>A on the coding strand, the complement: CCDC88C is on the minus strand). VCF-style: chr14-91273354-C-T. GRCh37 (hg19) VCF-style: chr14-91739698-C-T.
Other names: c.5358G>A (NM_001080414.3).
Identifiers: ClinVar variation 2083707 (VCV002083707.6), dbSNP rs763587715, ClinGen allele CA7308666.
Genomic context (GRCh38, chr14:91,273,354, plus strand): 5'-GCTGAAGGCCCGGCTCAAGGAGGCACTGCGGCTGGCAGGTGCATGGGAAGCTGGGGGCAC[C>T]GGAGCCTGCCGGGGTCTGCCCAGAGACAGGCTCTGGGGAGGCTGGGCCTGTCTCGGGGCC-3'
Protein context (NP_001073883.2, residues 1776-1796): SLSLGRPRQA[Pro1786=]VPPASHAPAS